The following is an entry in ClinVar:

ClinVar aggregate classification (germline): Uncertain significance. Review status: criteria provided, single submitter (1 of 4 stars). 2 submissions from 2 submitters: Uncertain significance (1). 1 of the submissions does not count toward it. Last evaluated 2024-03-28.

Conditions:
Distal myopathy with posterior leg and anterior hand involvement. Also called: WILLIAMS DISTAL MYOPATHY. Identifiers: Orphanet 63273, MedGen C3279722, MONDO:0013550, OMIM 614065.
Hypertrophic cardiomyopathy 26. Also called: Cardiomyopathy, familial hypertrophic, 26. Identifiers: Orphanet 75249, MedGen C4310749, MONDO:0014883, OMIM 617047.
Myofibrillar myopathy 5. Also called: Filaminopathy (type); FILAMINOPATHY, AUTOSOMAL DOMINANT. Identifiers: Orphanet 171445, MedGen C1836050, MONDO:0012289, OMIM 609524.

Allele frequency attached by ClinVar (database versions not stated): gnomAD exomes below 0.00001 and 0.00001; ExAC 0.00001.
gnomAD v4.1: 2 of 1,605,666 alleles (0.00012%); highest among the groups gnomAD compares: East Asian, 0.0022%; no homozygotes.

Submissions (2):

Labcorp Genetics (formerly Invitae), Labcorp
Classification: Uncertain significance for Distal myopathy with posterior leg and anterior hand involvement; Myofibrillar myopathy 5; Hypertrophic cardiomyopathy 26. Last evaluated: 2024-03-28. Review status: criteria provided, single submitter. Criteria: Invitae Variant Classification Sherloc (09022015). Collection method: clinical testing. Allele origin: germline.
Comment: This sequence change falls in intron 1 of the FLNC gene. It does not directly change the encoded amino acid sequence of the FLNC protein. It affects a nucleotide within the consensus splice site. This variant is present in population databases (rs750255204, gnomAD 0.006%). This variant has not been reported in the literature in individuals affected with FLNC-related conditions. ClinVar contains an entry for this variant (Variation ID: 1005252). Variants that disrupt the consensus splice site are a relatively common cause of aberrant splicing (PMID: 17576681, 9536098). Algorithms developed to predict the effect of sequence changes on RNA splicing suggest that this variant is not likely to affect RNA splicing. In summary, the available evidence is currently insufficient to determine the role of this variant in disease. Therefore, it has been classified as a Variant of Uncertain Significance.

Institute of Human Genetics, University of Wuerzburg
Classification: Uncertain significance for Hypertrophic cardiomyopathy 26. Review status: no assertion criteria provided. Collection method: clinical testing. Allele origin: unknown. Affected: yes. Observed: 1 variant allele. Not counted in ClinVar's aggregate classification.

Literature cited by the submitters: PubMed 17576681 (cited by Labcorp Genetics (formerly Invitae), Labcorp); PubMed 9536098 (cited by Labcorp Genetics (formerly Invitae), Labcorp).

NM_001458.5(FLNC):c.352+3C>T

Gene: FLNC (filamin C; plus strand). Cytogenetic location: 7q32.1.
Variant type: single nucleotide variant.
Coding change: c.352+3C>T on transcript NM_001458.5 (MANE Select); 3 bases into the intron after coding-DNA position 352, C replaced by T.
Molecular consequence: intron variant.
Genome position (GRCh38, 1-based): chr7:128,830,992, C>T. VCF-style: chr7-128830992-C-T. GRCh37 (hg19) VCF-style: chr7-128471046-C-T.
Other names: c.352+3C>T (NM_001127487.2).
Identifiers: ClinVar variation 1005252 (VCV001005252.9), dbSNP rs750255204, ClinGen allele CA4474000.